The following is an entry in ClinVar:

ClinVar aggregate classification (germline): Uncertain significance (1 of 4 stars; one submission).

Submission:

Labcorp Genetics (formerly Invitae), Labcorp
Classification: Uncertain significance. Last evaluated: 2022-02-08. Review status: criteria provided, single submitter. Criteria: Invitae Variant Classification Sherloc (09022015). Collection method: clinical testing. Allele origin: germline.
Comment: This variant has not been reported in the literature in individuals affected with USH2A-related conditions. In summary, the available evidence is currently insufficient to determine the role of this variant in disease. Therefore, it has been classified as a Variant of Uncertain Significance. Algorithms developed to predict the effect of missense changes on protein structure and function output the following: SIFT: "Tolerated"; PolyPhen-2: "Benign"; Align-GVGD: "Class C0". The proline amino acid residue is found in multiple mammalian species, which suggests that this missense change does not adversely affect protein function. This variant is not present in population databases (gnomAD no frequency). This sequence change replaces leucine, which is neutral and non-polar, with proline, which is neutral and non-polar, at codon 294 of the USH2A protein (p.Leu294Pro).

NM_206933.4(USH2A):c.881T>C (p.Leu294Pro)

Gene: USH2A (usherin; minus strand). Cytogenetic location: 1q41.
Variant type: single nucleotide variant.
Coding change: c.881T>C on transcript NM_206933.4 (MANE Select); coding-DNA position 881, T replaced by C.
Protein change: p.Leu294Pro; replaces leucine 294 with proline.
Molecular consequence: missense variant.
Genome position (GRCh38, 1-based): chr1:216,325,567, A>G on the plus strand (T>C on the coding strand, the complement: USH2A is on the minus strand). VCF-style: chr1-216325567-A-G. GRCh37 (hg19) VCF-style: chr1-216498909-A-G.
Other names: c.881T>C, p.Leu294Pro (NM_007123.6); short protein forms L294P.
Identifiers: ClinVar variation 1957971 (VCV001957971.5), dbSNP rs2527440710, ClinGen allele CA344912717.